The following is an entry in ClinVar:

ClinVar aggregate classification (germline): Benign (1 of 4 stars; one submission).

Conditions:
Congenital stationary night blindness autosomal dominant 3. Also called: NIGHT BLINDNESS, CONGENITAL STATIONARY, NOUGARET TYPE. Identifiers: Orphanet 215, MedGen C1864870, MONDO:0012497, OMIM 610444.

Allele frequency attached by ClinVar (database versions not stated): 1000 Genomes Project 0.00120; 1000 Genomes Project 30x 0.00141; gnomAD 0.00180 and 0.00181; TOPMed 0.00181.

Submission:

Illumina Laboratory Services, Illumina
Classification: Benign for Congenital stationary night blindness autosomal dominant 3. Last evaluated: 2018-01-12. Review status: criteria provided, single submitter. Criteria: ICSL Variant Classification Criteria 13 December 2019. Collection method: clinical testing. Allele origin: germline.
Comment: This variant was observed in the ICSL laboratory as part of a predisposition screen in an ostensibly healthy population. It had not been previously curated by ICSL or reported in the Human Gene Mutation Database (HGMD: prior to June 1st, 2018), and was therefore a candidate for classification through an automated scoring system. Utilizing variant allele frequency, disease prevalence and penetrance estimates, and inheritance mode, an automated score was calculated to assess if this variant is too frequent to cause the disease. Based on the score and internal cut-off values, a variant classified as benign is not then subjected to further curation. The score for this variant resulted in a classification of benign for this disease.

NM_144499.3(GNAT1):c.*1187G>A

Gene: GNAT1 (G protein subunit alpha transducin 1; plus strand). Cytogenetic location: 3p21.31.
Variant type: single nucleotide variant.
Coding change: c.*1187G>A on transcript NM_144499.3 (MANE Select); 1187 bases downstream of the stop codon, G replaced by A.
Molecular consequence: 3 prime UTR variant.
Genome position (GRCh38, 1-based): chr3:50,196,453, G>A. VCF-style: chr3-50196453-G-A. GRCh37 (hg19) VCF-style: chr3-50233886-G-A.
Other names: c.*53G>A (NM_000172.4).
Identifiers: ClinVar variation 346065 (VCV000346065.5), dbSNP rs192468377, ClinGen allele CA10616981.